The following is an entry in ClinVar:

ClinVar aggregate classification (germline): Benign/Likely benign. Review status: criteria provided, multiple submitters, no conflicts (2 of 4 stars). 12 submissions from 10 submitters: Benign (9); Likely benign (2). 1 of the submissions does not count toward it. Last evaluated 2026-02-03.

Conditions:
Usher syndrome type 1 (USH1). Also called: RETINITIS PIGMENTOSA AND CONGENITAL DEAFNESS. Identifiers: Orphanet 231169, Orphanet 886, MedGen C1568247, MONDO:0010168, OMIM 276900.
Usher syndrome type 1B (USH1B). Also called: Usher syndrome type IB. Identifiers: MedGen C1848638, MONDO:0700087.
Autosomal recessive nonsyndromic hearing loss 2. Also called: DEAFNESS, AUTOSOMAL RECESSIVE 2; NEUROSENSORY NONSYNDROMIC RECESSIVE DEAFNESS 2. Identifiers: Orphanet 90636, MedGen C1838701, MONDO:0010807, OMIM 600060.
Autosomal dominant nonsyndromic hearing loss 11. Identifiers: Orphanet 90635, MedGen C1832475, MONDO:0011032, OMIM 601317.

Allele frequency attached by ClinVar (database versions not stated): TOPMed 0.02145; gnomAD exomes 0.01565; 1000 Genomes Project 0.01577; ESP Exome Variant Server 0.02181; gnomAD 0.02082 and 0.02179; 1000 Genomes Project 30x 0.01765; ExAC 0.02895.
gnomAD v4.1: 28,383 of 1,598,168 alleles (1.8%); highest among the groups gnomAD compares: African/African-American, 3.1%; 300 homozygotes.

Submissions (12):

Labcorp Genetics (formerly Invitae), Labcorp
Classification: Benign. Last evaluated: 2026-02-03. Review status: criteria provided, single submitter. Criteria: Invitae Variant Classification Sherloc (09022015). Collection method: clinical testing. Allele origin: germline.

ARUP Laboratories, Molecular Genetics and Genomics, ARUP Laboratories
Classification: Benign. Last evaluated: 2023-11-06. Review status: criteria provided, single submitter. Criteria: ARUP Molecular Germline Variant Investigation Process 2024. Collection method: clinical testing. Allele origin: germline.

Mayo Clinic Laboratories, Mayo Clinic
Classification: Benign. Last evaluated: 2020-10-05. Review status: criteria provided, single submitter. Criteria: ACMG Guidelines, 2015. Collection method: clinical testing. Allele origin: germline. Observed: 4 variant alleles.

Athena Diagnostics
Classification: Benign. Last evaluated: 2018-09-12. Review status: criteria provided, single submitter. Criteria: Athena Diagnostics Criteria. Collection method: clinical testing. Allele origin: germline.

Illumina Laboratory Services, Illumina
Classification: Benign for Autosomal dominant nonsyndromic hearing loss 11. Last evaluated: 2018-01-13. Review status: criteria provided, single submitter. Criteria: ICSL Variant Classification Criteria 13 December 2019. Collection method: clinical testing. Allele origin: germline.
Comment: This variant was observed in the ICSL laboratory as part of a predisposition screen in an ostensibly healthy population. It had not been previously curated by ICSL or reported in the Human Gene Mutation Database (HGMD: prior to June 1st, 2018), and was therefore a candidate for classification through an automated scoring system. Utilizing variant allele frequency, disease prevalence and penetrance estimates, and inheritance mode, an automated score was calculated to assess if this variant is too frequent to cause the disease. Based on the score and internal cut-off values, a variant classified as benign is not then subjected to further curation. The score for this variant resulted in a classification of benign for this disease.

Illumina Laboratory Services, Illumina
Classification: Benign for Usher syndrome type 1. Last evaluated: 2018-01-13. Review status: criteria provided, single submitter. Criteria: ICSL Variant Classification Criteria 13 December 2019. Collection method: clinical testing. Allele origin: germline.
Comment: the same text as in the submission from Illumina Laboratory Services, Illumina above.

Illumina Laboratory Services, Illumina
Classification: Likely benign for Autosomal recessive nonsyndromic hearing loss 2. Last evaluated: 2018-01-13. Review status: criteria provided, single submitter. Criteria: ICSL Variant Classification Criteria 13 December 2019. Collection method: clinical testing. Allele origin: germline.
Comment: This variant was observed in the ICSL laboratory as part of a predisposition screen in an ostensibly healthy population. It had not been previously curated by ICSL or reported in the Human Gene Mutation Database (HGMD: prior to June 1st, 2018), and was therefore a candidate for classification through an automated scoring system. Utilizing variant allele frequency, disease prevalence and penetrance estimates, and inheritance mode, an automated score was calculated to assess if this variant is too frequent to cause the disease. Based on the score and internal cut-off values, a variant classified as likely benign is not then subjected to further curation. The score for this variant resulted in a classification of likely benign for this disease.

GeneDx
Classification: Benign. Last evaluated: 2013-05-12. Review status: criteria provided, single submitter. Criteria: GeneDx Variant Classification (06012015). Collection method: clinical testing. Allele origin: germline. Affected: yes.
Comment: This variant is considered likely benign or benign based on one or more of the following criteria: it is a conservative change, it occurs at a poorly conserved position in the protein, it is predicted to be benign by multiple in silico algorithms, and/or has population frequency not consistent with disease.

Laboratory for Molecular Medicine, Mass General Brigham Personalized Medicine
Classification: Benign. Last evaluated: 2008-02-19. Review status: criteria provided, single submitter. Criteria: LMM Criteria. Collection method: clinical testing. Allele origin: germline. Observed: 77 variant alleles.

Breakthrough Genomics
Classification: Likely benign. Review status: criteria provided, single submitter. Criteria: ACMG Guidelines, 2015. Collection method: not provided. Allele origin: germline. Inheritance: Autosomal recessive inheritance. Affected: yes.

PreventionGenetics, part of Exact Sciences
Classification: Benign. Review status: criteria provided, single submitter. Criteria: ACMG Guidelines, 2015. Collection method: clinical testing. Allele origin: germline.

Natera, Inc.
Classification: Benign for Usher syndrome type 1B. Last evaluated: 2020-09-16. Review status: no assertion criteria provided. Collection method: clinical testing. Allele origin: germline. Not counted in ClinVar's aggregate classification.

NM_000260.4(MYO7A):c.288G>A (p.Thr96=)

Gene: MYO7A (myosin VIIA; plus strand). Cytogenetic location: 11q13.5.
Variant type: single nucleotide variant.
Coding change: c.288G>A on transcript NM_000260.4 (MANE Select); coding-DNA position 288, G replaced by A.
Protein change: p.Thr96=; no amino-acid change (threonine 96 retained).
Molecular consequence: synonymous variant.
Genome position (GRCh38, 1-based): chr11:77,155,909, G>A. VCF-style: chr11-77155909-G-A. GRCh37 (hg19) VCF-style: chr11-76866955-G-A.
Other names: p.T96T:ACG>ACA; p.Thr96=; c.288G>A, p.Thr96= (NM_001127180.2); c.255G>A, p.Thr85= (NM_001369365.1).
Identifiers: ClinVar variation 43195 (VCV000043195.23), dbSNP rs56023295, ClinGen allele CA132272.
Genomic context (GRCh38, chr11:77,155,909, plus strand): 5'-CTAGAGTCAGAGTCTCCCACATGGAATCAGCGAGCTCCCCATCTCTTGCTGCCCGCAGAC[G>A]TATACGGGCTCCATCCTGGTGGCTGTGAACCCCTACCAGCTGCTCTCCATCTACTCGCCA-3'
Protein context (NP_000251.3, residues 86-106): LIRYRDHLIY[Thr96=]YTGSILVAVN